The following is an entry in ClinVar:

NM_000069.3(CACNA1S):c.3440A>G (p.Asn1147Ser)

Gene: CACNA1S (calcium voltage-gated channel subunit alpha1 S; minus strand). Cytogenetic location: 1q32.1.
Variant type: single nucleotide variant.
Coding change: c.3440A>G on transcript NM_000069.3 (MANE Select); coding-DNA position 3440, A replaced by G.
Protein change: p.Asn1147Ser; replaces asparagine 1147 with serine.
Molecular consequence: missense variant.
Genome position (GRCh38, 1-based): chr1:201,059,274, T>C on the plus strand (A>G on the coding strand, the complement: CACNA1S is on the minus strand). VCF-style: chr1-201059274-T-C. GRCh37 (hg19) VCF-style: chr1-201028402-T-C.
Other names: short protein forms N1147S.
Identifiers: ClinVar variation 2428472 (VCV002428472.9), dbSNP rs762768883, ClinGen allele CA082558.

ClinVar aggregate classification (germline): Conflicting classifications of pathogenicity. Review status: criteria provided, conflicting classifications (1 of 4 stars). 3 submissions from 3 submitters: Uncertain significance (2); Likely benign (1). Last evaluated 2025-08-11.

Conditions:
Malignant hyperthermia, susceptibility to, 5 (MHS5). Also called: CACNA1S-Related Malignant Hyperthermia Susceptibility. Identifiers: Orphanet 423, MedGen C1866077, MONDO:0011163, OMIM 601887.
Hypokalemic periodic paralysis, type 1. Also called: Hypokalemic Periodic Paralysis Type 1 (AD); HypoPP. Identifiers: Orphanet 681, MedGen C3714580, MONDO:0042979, OMIM 170400.

Allele frequency attached by ClinVar (database versions not stated): ExAC 0.00001; gnomAD 0.00001; TOPMed 0.00001; gnomAD exomes 0.00003.
gnomAD v4.1: 39 of 1,613,438 alleles (0.0024%); highest among the groups gnomAD compares: Non-Finnish European, 0.0033%; no homozygotes.

Submissions (3):

Color Diagnostics, LLC DBA Color Health
Classification: Uncertain significance for Malignant hyperthermia, susceptibility to, 5. Last evaluated: 2025-08-11. Review status: criteria provided, single submitter. Criteria: ACMG Guidelines, 2015. Collection method: clinical testing. Allele origin: germline.
Comment: This missense variant replaces asparagine with serine at codon 1147 of the CACNA1S protein. Computational prediction suggests that this variant may not impact protein structure and function. To our knowledge, functional studies have not been reported for this variant. This variant has not been reported in individuals affected with CACNA1S-related disorders in the literature. This variant has been identified in 4/251424 chromosomes in the general population by the Genome Aggregation Database (gnomAD). The available evidence is insufficient to determine the role of this variant in disease conclusively. Therefore, this variant is classified as a Variant of Uncertain Significance.

Labcorp Genetics (formerly Invitae), Labcorp
Classification: Likely benign for Hypokalemic periodic paralysis, type 1; Malignant hyperthermia, susceptibility to, 5. Last evaluated: 2023-09-23. Review status: criteria provided, single submitter. Criteria: Invitae Variant Classification Sherloc (09022015). Collection method: clinical testing. Allele origin: germline.

All of Us Research Program, National Institutes of Health
Classification: Uncertain significance for Malignant hyperthermia, susceptibility to, 5. Last evaluated: 2023-08-14. Review status: criteria provided, single submitter. Criteria: ACMG Guidelines, 2015. Collection method: clinical testing. Allele origin: germline. Inheritance: Autosomal dominant inheritance. Observed: 1 variant allele, 1 heterozygote.
Comment: This study involves interpretation of variants in research participants for the purpose of population health screening. Participant phenotype was not available at the time of variant classification. Additional details can be found in publication PMID: 35346344, PMCID: PMC8962531